The following is an entry in ClinVar:

NM_004380.3(CREBBP):c.4890+4G>A

Gene: CREBBP (CREB binding lysine acetyltransferase; minus strand). Cytogenetic location: 16p13.3.
Variant type: single nucleotide variant.
Coding change: c.4890+4G>A on transcript NM_004380.3 (MANE Select); 4 bases into the intron after coding-DNA position 4890, G replaced by A.
Molecular consequence: intron variant.
Genome position (GRCh38, 1-based): chr16:3,731,772, C>T on the plus strand (G>A on the coding strand, the complement: CREBBP is on the minus strand). VCF-style: chr16-3731772-C-T. GRCh37 (hg19) VCF-style: chr16-3781773-C-T.
Other names: c.4776+4G>A (NM_001079846.1).
Identifiers: ClinVar variation 3354123 (VCV003354123.1).

ClinVar aggregate classification (germline): Likely benign (0 of 4 stars; one submission).

Conditions:
CREBBP-related disorder. Also called: CREBBP-related condition; CREBBP-related disorders.

Submission:

PreventionGenetics, part of Exact Sciences
Classification: Likely benign for CREBBP-related condition. Last evaluated: 2022-07-15. Review status: no assertion criteria provided. Collection method: clinical testing. Allele origin: germline.
Comment: This variant is classified as likely benign based on ACMG/AMP sequence variant interpretation guidelines (Richards et al. 2015 PMID: 25741868, with internal and published modifications).